The following is an entry in ClinVar:

NM_006946.4(SPTBN2):c.5114A>T (p.Asp1705Val)

Gene: SPTBN2 (spectrin beta, non-erythrocytic 2; minus strand). Cytogenetic location: 11q13.2.
Variant type: single nucleotide variant.
Coding change: c.5114A>T on transcript NM_006946.4 (MANE Select); coding-DNA position 5114, A replaced by T.
Protein change: p.Asp1705Val; replaces aspartic acid 1705 with valine.
Molecular consequence: missense variant.
Genome position (GRCh38, 1-based): chr11:66,692,612, T>A on the plus strand (A>T on the coding strand, the complement: SPTBN2 is on the minus strand). VCF-style: chr11-66692612-T-A. GRCh37 (hg19) VCF-style: chr11-66460083-T-A.
Other names: c.5135A>T, p.Asp1712Val (NM_001411025.1); c.5114A>T (NM_006946.2); short protein forms D1705V, D1712V.
Identifiers: ClinVar variation 3699574 (VCV003699574.3).

ClinVar aggregate classification (germline): Uncertain significance. Review status: criteria provided, multiple submitters, no conflicts (2 of 4 stars). 2 submissions from 2 submitters: Uncertain significance (2). Last evaluated 2025-08-26.

Conditions:
Inborn genetic diseases. Identifiers: MedGen C0950123, MeSH D030342.

Submissions (2):

Ambry Genetics
Classification: Uncertain significance for Inborn genetic diseases. Last evaluated: 2025-08-26. Review status: criteria provided, single submitter. Criteria: Ambry Variant Classification Scheme 2023. Collection method: clinical testing. Allele origin: germline.

Labcorp Genetics (formerly Invitae), Labcorp
Classification: Uncertain significance. Last evaluated: 2025-08-03. Review status: criteria provided, single submitter. Criteria: Invitae Variant Classification Sherloc (09022015). Collection method: clinical testing. Allele origin: germline.
Comment: This sequence change replaces aspartic acid, which is acidic and polar, with valine, which is neutral and non-polar, at codon 1705 of the SPTBN2 protein (p.Asp1705Val). This variant is not present in population databases (gnomAD no frequency). This variant has not been reported in the literature in individuals affected with SPTBN2-related conditions. ClinVar contains an entry for this variant (Variation ID: 3699574). Invitae Evidence Modeling of protein sequence and biophysical properties (such as structural, functional, and spatial information, amino acid conservation, physicochemical variation, residue mobility, and thermodynamic stability) indicates that this missense variant is not expected to disrupt SPTBN2 protein function with a negative predictive value of 80%. In summary, the available evidence is currently insufficient to determine the role of this variant in disease. Therefore, it has been classified as a Variant of Uncertain Significance.